The following is an entry in ClinVar:

NM_004999.4(MYO6):c.3280_3280+2del

Gene: MYO6 (myosin VI; plus strand). Cytogenetic location: 6q14.1.
Variant type: Deletion.
Coding change: c.3280_3280+2del on transcript NM_004999.4 (MANE Select); coding-DNA position 3280 through the canonical splice donor site of the intron after coding-DNA position 3280, 3 bases deleted (GGT; older notation c.3280_3280+2delGGT).
Molecular consequence: splice donor variant.
Genome position (GRCh38, 1-based): chr6:75,907,708-75,907,710, GGT deleted; deleting any 3 consecutive bases within chr6:75,907,706-75,907,710 gives the same sequence; the c. name uses the placement nearest the transcript's 3' end. VCF-style (leftmost placement, unchanged base first): chr6-75907705-TGTG-T. GRCh37 (hg19) VCF-style: chr6-76617422-TGTG-T.
Other names: c.3307_3307+2del (NM_001368865.1, NM_001368866.1); c.3268_3268+2del (NM_001368137.1); c.3211_3211+2del (NM_001300899.2, NM_001368136.1); c.3196_3196+2del (NM_001368138.1).
Identifiers: ClinVar variation 4855619 (VCV004855619.1).

ClinVar aggregate classification (germline): Uncertain significance (1 of 4 stars; one submission).

Conditions:
Autosomal dominant nonsyndromic hearing loss 22. Also called: Autosomal dominant nonsyndromic deafness 22; DFNA 22. Identifiers: Orphanet 228012, MedGen C2931767, MONDO:0011660, OMIM 606346.

Submission:

3billion
Classification: Uncertain significance for Autosomal dominant nonsyndromic hearing loss 22. Last evaluated: 2026-01-12. Review status: criteria provided, single submitter. Criteria: ACMG Guidelines, 2015. Collection method: clinical testing. Allele origin: germline. Affected: yes.
Comment: The variant is observed at an extremely low frequency in the gnomAD v4.1.0 dataset (total allele frequency: <0.001%). Predicted Consequence/Location: Inframe deletion located in a nonrepeat region: predicted to change the length of the protein and disrupt normal protein function. In silico tools predict the variant to alter splicing and produce an abnormal transcript [SpliceAI: 0.99 (>=0.2, moderate evidence for spliceogenicity)]. Therefore, this variant is classified as VUS according to the recommendation of ACMG/AMP guideline.